The following is an entry in ClinVar:

NM_005334.3(HCFC1):c.4315A>C (p.Asn1439His)

Gene: HCFC1 (host cell factor C1; minus strand). Cytogenetic location: Xq28.
Variant type: single nucleotide variant.
Coding change: c.4315A>C on transcript NM_005334.3 (MANE Select); coding-DNA position 4315, A replaced by C.
Protein change: p.Asn1439His; replaces asparagine 1439 with histidine.
Molecular consequence: missense variant.
Genome position (GRCh38, 1-based): chrX:153,954,084, T>G on the plus strand (A>C on the coding strand, the complement: HCFC1 is on the minus strand). VCF-style: chrX-153954084-T-G. GRCh37 (hg19) VCF-style: chrX-153219535-T-G.
Other names: short protein forms N1439H.
Identifiers: ClinVar variation 547918 (VCV000547918.6), dbSNP rs782138046, ClinGen allele CA10557033.

ClinVar aggregate classification (germline): Uncertain significance. Review status: criteria provided, multiple submitters, no conflicts (2 of 4 stars). 2 submissions from 2 submitters: Uncertain significance (2). Last evaluated 2020-05-26.

Conditions:
Methylmalonic acidemia with homocystinuria, type cblX (MAHCX). Also called: INTELLECTUAL DEVELOPMENTAL DISORDER, X-LINKED 3. Identifiers: Orphanet 369962, MedGen C0796208, MONDO:0010657, OMIM 309541.

Allele frequency attached by ClinVar (database versions not stated): gnomAD exomes 0.00002 and 0.00003; ExAC 0.00002.
gnomAD v4.1: 36 of 1,202,426 alleles (0.003%); highest among the groups gnomAD compares: Non-Finnish European, 0.004%; no homozygotes.

Submissions (2):

Victorian Clinical Genetics Services, Murdoch Childrens Research Institute
Classification: Uncertain significance for Methylmalonic acidemia with homocystinuria, type cblX. Last evaluated: 2020-05-26. Review status: criteria provided, single submitter. Criteria: ACMG Guidelines, 2015. Collection method: clinical testing. Allele origin: germline. Inheritance: X-linked recessive inheritance. Affected: yes.
Comment: Based on the classification scheme VCGS_Germline_v1.1.1, this variant is classified as VUS – 3B. Following criteria are met: 0102 - Loss-of-function is a known mechanism of disease for this gene. (N) 0109 - This gene is known to be associated with X-linked recessive disease. (N) 0200 - Variant is predicted to result in a missense amino acid change from asparagine to histidine (exon 17). (N) 0253 - Variant is hemizygous. (N) 0304 - Variant is present in gnomAD <0.01 for a recessive condition (2 heterozygotes, 0 hemizygotes). (P) 0502 - Missense variant with conflicting in silico predictions and/or uninformative conservation. (N) 0604 - Variant is not located in an established domain, motif, hotspot or informative constraint region. (N) 0705 - No comparable variants have previous evidence for pathogenicity. (N) 0804 – Variant has previously been described as variant of uncertain significance (ClinVar). (N) 0905 - No segregation evidence has been identified for this variant. (N) 1007 - No published functional evidence has been identified for this variant. (N) 1208 - Inheritance information for this variant is not currently available. (N) Legend: (P) - Pathogenic, (N) - Neutral, (B) - Benign

Mayo Clinic Laboratories, Mayo Clinic
Classification: Uncertain significance for Methylmalonic acidemia with homocystinuria, type cblX. Last evaluated: 2017-01-20. Review status: criteria provided, single submitter. Criteria: ACMG Guidelines, 2015. Collection method: clinical testing. Allele origin: maternal.